The following is an entry in ClinVar:

ClinVar aggregate classification (germline): Pathogenic (1 of 4 stars; one submission).

Conditions:
Familial adenomatous polyposis 1 (FAP1). Also called: POLYPOSIS, ADENOMATOUS INTESTINAL; FAMILIAL ADENOMATOUS POLYPOSIS 1, ATTENUATED. Identifiers: MedGen C2713442, MONDO:0021056, OMIM 175100. Disease mechanism: loss of function.

Submission:

Myriad Genetics, Inc.
Classification: Pathogenic for Familial adenomatous polyposis 1. Last evaluated: 2023-05-16. Review status: criteria provided, single submitter. Criteria: Myriad Autosomal Dominant, Autosomal Recessive and X-Linked Classification Criteria (2023). Collection method: clinical testing. Allele origin: unknown.
Comment: This variant is considered pathogenic. This variant creates a termination codon and is predicted to result in premature protein truncation.

NM_000038.6(APC):c.7319delinsGGAGTTTGATAGTTCTTGGGCAGTGAGAGTGAGTAGTAGAATGTTTAGTGAGCCTAGGGTGTTGTGAGCCTAGGGT (p.Gln2440delinsArgSerLeuIleValLeuGlyGlnTer)

Gene: APC (APC regulator of Wnt signaling pathway; plus strand). Cytogenetic location: 5q22.2.
Variant type: Indel.
Coding change: c.7319delinsGGAGTTTGATAGTTCTTGGGCAGTGAGAGTGAGTAGTAGAATGTTTAGTGAGCCTAGGGTGTTGTGAGCCTAGGGT on transcript NM_000038.6 (MANE Select); coding-DNA position 7319, the reference bases replaced by an inserted sequence.
Protein change: p.Gln2440delinsArgSerLeuIleValLeuGlyGlnTer.
Molecular consequence: nonsense. On other transcripts: non-coding transcript variant (2).
Genome position (GRCh38, 1-based): chr5:112,842,913, one base replaced. GRCh37 (hg19), VCF-style position (the base before the change): chr5:112,178,610.
Other names: c.7070delinsGGAGTTTGATAGTTCTTGGGCAGTGAGAGTGAGTAGTAGAATGTTTAGTGAGCCTAGGGTGTTGTGAGCCTAGGGT, p.Gln2357delinsArgSerLeuIleValLeuGlyGlnTer (NM_001407456.1, NM_001407457.1, NM_001407454.1 and 1 more transcripts); c.7016delinsGGAGTTTGATAGTTCTTGGGCAGTGAGAGTGAGTAGTAGAATGTTTAGTGAGCCTAGGGTGTTGTGAGCCTAGGGT, p.Gln2339delinsArgSerLeuIleValLeuGlyGlnTer (NM_001407458.1, NM_001407459.1, NM_001407460.1 and 1 more transcripts); c.6932delinsGGAGTTTGATAGTTCTTGGGCAGTGAGAGTGAGTAGTAGAATGTTTAGTGAGCCTAGGGTGTTGTGAGCCTAGGGT, p.Gln2311delinsArgSerLeuIleValLeuGlyGlnTer (NM_001407467.1, NM_001407469.1); c.6470delinsGGAGTTTGATAGTTCTTGGGCAGTGAGAGTGAGTAGTAGAATGTTTAGTGAGCCTAGGGTGTTGTGAGCCTAGGGT, p.Gln2157delinsArgSerLeuIleValLeuGlyGlnTer (NM_001407470.1, NM_001354906.2); c.6167delinsGGAGTTTGATAGTTCTTGGGCAGTGAGAGTGAGTAGTAGAATGTTTAGTGAGCCTAGGGTGTTGTGAGCCTAGGGT, p.Gln2056delinsArgSerLeuIleValLeuGlyGlnTer (NM_001407471.1, NM_001407472.1); c.7319delinsGGAGTTTGATAGTTCTTGGGCAGTGAGAGTGAGTAGTAGAATGTTTAGTGAGCCTAGGGTGTTGTGAGCCTAGGGT, p.Gln2440delinsArgSerLeuIleValLeuGlyGlnTer (NM_001127510.3, NM_001354895.2, NM_001407450.1); c.7265delinsGGAGTTTGATAGTTCTTGGGCAGTGAGAGTGAGTAGTAGAATGTTTAGTGAGCCTAGGGTGTTGTGAGCCTAGGGT, p.Gln2422delinsArgSerLeuIleValLeuGlyGlnTer (NM_001127511.3); c.7373delinsGGAGTTTGATAGTTCTTGGGCAGTGAGAGTGAGTAGTAGAATGTTTAGTGAGCCTAGGGTGTTGTGAGCCTAGGGT, p.Gln2458delinsArgSerLeuIleValLeuGlyGlnTer (NM_001354896.2, NM_001407447.1, NM_001407448.1 and 1 more transcripts); and 11 more.
Identifiers: ClinVar variation 2583349 (VCV002583349.2), dbSNP rs2533784628, ClinGen allele CA2582341624.